The following is an entry in ClinVar:

NM_012120.3(CD2AP):c.1046-5C>T

Gene: CD2AP (CD2 associated protein; plus strand). Cytogenetic location: 6p12.3.
Variant type: single nucleotide variant.
Coding change: c.1046-5C>T on transcript NM_012120.3 (MANE Select); 5 bases into the intron before coding-DNA position 1046, C replaced by T.
Molecular consequence: intron variant.
Genome position (GRCh38, 1-based): chr6:47,581,998, C>T. VCF-style: chr6-47581998-C-T. GRCh37 (hg19) VCF-style: chr6-47549734-C-T.
Other names: c.1046-5C>T (NM_012120.2).
Identifiers: ClinVar variation 1540377 (VCV001540377.9), dbSNP rs371140357, ClinGen allele CA3844210.

ClinVar aggregate classification (germline): Conflicting classifications of pathogenicity. Review status: criteria provided, conflicting classifications (1 of 4 stars). 2 submissions from 2 submitters: Uncertain significance (1); Likely benign (1). Last evaluated 2025-06-12.

Conditions:
Inborn genetic diseases. Identifiers: MedGen C0950123, MeSH D030342.

Allele frequency attached by ClinVar (database versions not stated): gnomAD exomes 0.00001 and 0.00007; gnomAD 0.00003; ExAC 0.00006; TOPMed 0.00006.
gnomAD v4.1: 24 of 1,591,870 alleles (0.0015%); highest among the groups gnomAD compares: East Asian, 0.038%; no homozygotes.

Submissions (2):

Labcorp Genetics (formerly Invitae), Labcorp
Classification: Likely benign. Last evaluated: 2025-06-12. Review status: criteria provided, single submitter. Criteria: Invitae Variant Classification Sherloc (09022015). Collection method: clinical testing. Allele origin: germline.

Ambry Genetics
Classification: Uncertain significance for Inborn genetic diseases. Last evaluated: 2025-04-15. Review status: criteria provided, single submitter. Criteria: Ambry Variant Classification Scheme 2023. Collection method: clinical testing. Allele origin: germline.
Comment: The c.1046-5C>T intronic alteration consists of a C to T substitution 5 nucleotides before coding exon 11 in the CD2AP gene. Based on insufficient or conflicting evidence, the clinical significance of this alteration remains unclear.